The following is an entry in ClinVar:

NM_000384.3(APOB):c.618A>T (p.Glu206Asp)

Gene: APOB (apolipoprotein B; minus strand). Cytogenetic location: 2p24.1.
Variant type: single nucleotide variant.
Coding change: c.618A>T on transcript NM_000384.3 (MANE Select); coding-DNA position 618, A replaced by T.
Protein change: p.Glu206Asp; replaces glutamic acid 206 with aspartic acid.
Molecular consequence: missense variant.
Genome position (GRCh38, 1-based): chr2:21,037,175, T>A on the plus strand (A>T on the coding strand, the complement: APOB is on the minus strand). VCF-style: chr2-21037175-T-A. GRCh37 (hg19) VCF-style: chr2-21260047-T-A.
Other names: short protein forms E206D.
Identifiers: ClinVar variation 3895213 (VCV003895213.2), dbSNP rs1664022798.

ClinVar aggregate classification (germline): Uncertain significance. Review status: criteria provided, multiple submitters, no conflicts (2 of 4 stars). 2 submissions from 2 submitters: Uncertain significance (2). Last evaluated 2026-07-01.

Conditions:
Cardiovascular phenotype. Identifiers: MedGen CN230736.

Submissions (2):

Ambry Genetics
Classification: Uncertain significance for Cardiovascular phenotype. Last evaluated: 2026-07-01. Review status: criteria provided, single submitter. Criteria: Ambry Variant Classification Scheme 2023. Collection method: clinical testing. Allele origin: germline.
Comment: The p.E206D variant (also known as c.618A>T), located in coding exon 6 of the APOB gene, results from an A to T substitution at nucleotide position 618. The glutamic acid at codon 206 is replaced by aspartic acid, an amino acid with highly similar properties. This amino acid position is conserved. In addition, this alteration is predicted to be tolerated by in silico analysis. Based on the available evidence, the clinical significance of this variant remains unclear.

Molecular Diagnostic Laboratory for Inherited Cardiovascular Disease, Montreal Heart Institute
Classification: Uncertain significance for Cardiovascular phenotype. Last evaluated: 2025-04-09. Review status: criteria provided, single submitter. Criteria: ACMG Guidelines, 2015. Collection method: clinical testing. Allele origin: germline. Affected: yes.
Comment: PM2, BP4